The following is an entry in ClinVar:

ClinVar aggregate classification (germline): Uncertain significance. Review status: criteria provided, multiple submitters, no conflicts (2 of 4 stars). 2 submissions from 2 submitters: Uncertain significance (2). Last evaluated 2022-07-19.

Conditions:
Long QT syndrome (LQTS). Identifiers: MedGen C0023976, MeSH D008133, MONDO:0002442. Disease mechanism: loss of function. Inheritance: Various modes of inheritance.
Long QT syndrome 11 (LQT11). Identifiers: Orphanet 101016, Orphanet 768, MedGen C2678483, MONDO:0012738, OMIM 611820.

Submissions (2):

Labcorp Genetics (formerly Invitae), Labcorp
Classification: Uncertain significance for Long QT syndrome. Last evaluated: 2022-07-19. Review status: criteria provided, single submitter. Criteria: Invitae Variant Classification Sherloc (09022015). Collection method: clinical testing. Allele origin: germline.
Comment: This sequence change creates a premature translational stop signal (p.Thr1547Phefs*13) in the AKAP9 gene. It is expected to result in an absent or disrupted protein product. However, the current clinical and genetic evidence is not sufficient to establish whether loss-of-function variants in AKAP9 cause disease. This variant is present in population databases (rs751121443, gnomAD 0.006%). This premature translational stop signal has been observed in individual(s) with neurodevelopmental disorders (PMID: 31785789). ClinVar contains an entry for this variant (Variation ID: 1053053). In summary, the available evidence is currently insufficient to determine the role of this variant in disease. Therefore, it has been classified as a Variant of Uncertain Significance.

Fulgent Genetics
Classification: Uncertain significance for Long QT syndrome 11. Last evaluated: 2021-08-18. Review status: criteria provided, single submitter. Criteria: ACMG Guidelines, 2015. Collection method: clinical testing. Allele origin: unknown.

Literature cited by the submitters: PubMed 31785789 (cited by Labcorp Genetics (formerly Invitae), Labcorp).

NM_005751.5(AKAP9):c.4638_4641del (p.Thr1547fs)

Gene: AKAP9 (A-kinase anchoring protein 9; plus strand). Cytogenetic location: 7q21.2.
Variant type: Deletion.
Coding change: c.4638_4641del on transcript NM_005751.5 (MANE Select); coding-DNA positions 4638 to 4641, 4 bases deleted (GACT; older notation c.4638_4641delGACT).
Protein change: p.Thr1547fs; shifts the reading frame from threonine 1547.
Molecular consequence: frameshift variant.
Genome position (GRCh38, 1-based): chr7:92,038,718-92,038,721, GACT deleted; deleting any 4 consecutive bases within chr7:92,038,716-92,038,721 gives the same sequence; the c. name uses the placement nearest the transcript's 3' end. VCF-style (leftmost placement, unchanged base first): chr7-92038715-GCTGA-G. GRCh37 (hg19) VCF-style: chr7-91668029-GCTGA-G.
Other names: c.4638_4641del, p.Thr1547fs (NM_147185.3); short protein forms T1547fs.
Identifiers: ClinVar variation 1053053 (VCV001053053.7), dbSNP rs751121443, ClinGen allele CA4336601.